The following is an entry in ClinVar:

NM_001127208.3(TET2):c.2630A>G (p.Asp877Gly)

Genes: TET2 (tet methylcytosine dioxygenase 2; plus strand), TET2-AS1 (TET2 antisense RNA 1; minus strand). Cytogenetic location: 4q24.
Variant type: single nucleotide variant.
Coding change: c.2630A>G on transcript NM_001127208.3 (MANE Select); coding-DNA position 2630, A replaced by G.
Protein change: p.Asp877Gly; replaces aspartic acid 877 with glycine.
Molecular consequence: missense variant.
Genome position (GRCh38, 1-based): chr4:105,236,572, A>G. VCF-style: chr4-105236572-A-G. GRCh37 (hg19) VCF-style: chr4-106157729-A-G.
Other names: c.2630A>G, p.Asp877Gly (NM_017628.4); short protein forms D877G.
Identifiers: ClinVar variation 1903147 (VCV001903147.5), dbSNP rs1553914301, ClinGen allele CA3031913.
Genomic context (GRCh38, chr4:105,236,572, plus strand): 5'-ACAAGACCCAAAACTTGCATCACATGCAATATTTTCCAAATAATGTGATCCCAAAGCAAG[A>G]TCTTCTTCACAGGTGCTTTCAAGAACAGGAGCAGAAGTCACAACAAGCTTCAGTTCTACA-3'
Protein context (NP_001120680.1, residues 867-887): YFPNNVIPKQ[Asp877Gly]LLHRCFQEQE

ClinVar aggregate classification (germline): Uncertain significance. Review status: criteria provided, multiple submitters, no conflicts (2 of 4 stars). 2 submissions from 2 submitters: Uncertain significance (2). Last evaluated 2024-10-17.

Allele frequency attached by ClinVar (database versions not stated): gnomAD exomes 0.00001; TOPMed 0.00001; ExAC 0.00006.
gnomAD v4.1: 18 of 1,614,140 alleles (0.0011%); highest among the groups gnomAD compares: Admixed American, 0.017%; no homozygotes.

Submissions (2):

Ambry Genetics
Classification: Uncertain significance. Last evaluated: 2024-10-17. Review status: criteria provided, single submitter. Criteria: Ambry Variant Classification Scheme 2023. Collection method: clinical testing. Allele origin: germline.
Comment: The p.D877G variant (also known as c.2630A>G), located in coding exon 1 of the TET2 gene, results from an A to G substitution at nucleotide position 2630. The aspartic acid at codon 877 is replaced by glycine, an amino acid with similar properties. This amino acid position is conserved. In addition, this alteration is predicted to be tolerated by in silico analysis. Based on the available evidence, the clinical significance of this variant remains unclear.

Labcorp Genetics (formerly Invitae), Labcorp
Classification: Uncertain significance. Last evaluated: 2022-11-25. Review status: criteria provided, single submitter. Criteria: Invitae Variant Classification Sherloc (09022015). Collection method: clinical testing. Allele origin: germline.
Comment: In summary, the available evidence is currently insufficient to determine the role of this variant in disease. Therefore, it has been classified as a Variant of Uncertain Significance. Algorithms developed to predict the effect of missense changes on protein structure and function output the following: SIFT: "Tolerated"; PolyPhen-2: "Benign"; Align-GVGD: "Class C0". The glycine amino acid residue is found in multiple mammalian species, which suggests that this missense change does not adversely affect protein function. This variant has not been reported in the literature in individuals affected with TET2-related conditions. This variant is present in population databases (no rsID available, gnomAD 0.02%). This sequence change replaces aspartic acid, which is acidic and polar, with glycine, which is neutral and non-polar, at codon 877 of the TET2 protein (p.Asp877Gly).